The following is an entry in ClinVar:

NM_138295.5(PKD1L1):c.702G>A (p.Leu234=)

Gene: PKD1L1 (polycystin 1 like 1, transient receptor potential channel interacting; minus strand). Cytogenetic location: 7p12.3.
Variant type: single nucleotide variant.
Coding change: c.702G>A on transcript NM_138295.5 (MANE Select); coding-DNA position 702, G replaced by A.
Protein change: p.Leu234=; no amino-acid change (leucine 234 retained).
Molecular consequence: synonymous variant.
Genome position (GRCh38, 1-based): chr7:47,931,139, C>T on the plus strand (G>A on the coding strand, the complement: PKD1L1 is on the minus strand). VCF-style: chr7-47931139-C-T. GRCh37 (hg19) VCF-style: chr7-47970736-C-T.
Identifiers: ClinVar variation 3037921 (VCV003037921.2), dbSNP rs143386007, ClinGen allele CA4254276.

ClinVar aggregate classification (germline): Likely benign (0 of 4 stars; one submission).

Conditions:
PKD1L1-related disorder. Also called: PKD1L1-related condition.

Allele frequency attached by ClinVar (database versions not stated): ExAC 0.00002; gnomAD exomes 0.00002; gnomAD 0.00003; TOPMed 0.00005; ESP Exome Variant Server 0.00008.
gnomAD v4.1: 41 of 1,614,070 alleles (0.0025%); highest among the groups gnomAD compares: Non-Finnish European, 0.003%; no homozygotes.

Submission:

PreventionGenetics, part of Exact Sciences
Classification: Likely benign for PKD1L1-related condition. Last evaluated: 2021-07-27. Review status: no assertion criteria provided. Collection method: clinical testing. Allele origin: germline.
Comment: This variant is classified as likely benign based on ACMG/AMP sequence variant interpretation guidelines (Richards et al. 2015 PMID: 25741868, with internal and published modifications).